The following is an entry in ClinVar:

NM_000179.3(MSH6):c.3877G>C (p.Ala1293Pro)

Gene: MSH6 (mutS homolog 6; plus strand). Cytogenetic location: 2p16.3.
Variant type: single nucleotide variant.
Coding change: c.3877G>C on transcript NM_000179.3 (MANE Select); coding-DNA position 3877, G replaced by C.
Protein change: p.Ala1293Pro; replaces alanine 1293 with proline.
Molecular consequence: missense variant.
Genome position (GRCh38, 1-based): chr2:47,806,527, G>C. VCF-style: chr2-47806527-G-C. GRCh37 (hg19) VCF-style: chr2-48033666-G-C.
Other names: c.3487G>C, p.Ala1163Pro (NM_001281492.2); c.2971G>C, p.Ala991Pro (NM_001281493.2, NM_001281494.2); short protein forms A1163P, A991P, A1293P.
Identifiers: ClinVar variation 1384954 (VCV001384954.9), dbSNP rs1461336062, ClinGen allele CA346761370.

ClinVar aggregate classification (germline): Uncertain significance. Review status: criteria provided, multiple submitters, no conflicts (2 of 4 stars). 2 submissions from 2 submitters: Uncertain significance (2). Last evaluated 2022-08-08.

Conditions:
Hereditary nonpolyposis colorectal neoplasms. Identifiers: MedGen C0009405, MeSH D003123.
Lynch syndrome 5 (LYNCH5). Also called: Hereditary non-polyposis colorectal cancer, type 5; Colorectal cancer, hereditary nonpolyposis, type 5. Identifiers: Orphanet 144, MedGen C1833477, MONDO:0013710, OMIM 614350. Disease mechanism: loss of function.

Submissions (2):

Department of Pathology and Laboratory Medicine, Sinai Health System
Classification: Uncertain significance for Lynch syndrome 5. Last evaluated: 2022-08-08. Review status: criteria provided, single submitter. Criteria: ACMG Guidelines, 2015. Collection method: clinical testing. Allele origin: germline. Affected: yes.

Labcorp Genetics (formerly Invitae), Labcorp
Classification: Uncertain significance for Hereditary nonpolyposis colorectal neoplasms. Last evaluated: 2021-04-05. Review status: criteria provided, single submitter. Criteria: Invitae Variant Classification Sherloc (09022015). Collection method: clinical testing. Allele origin: germline.
Comment: In summary, the available evidence is currently insufficient to determine the role of this variant in disease. Therefore, it has been classified as a Variant of Uncertain Significance. Algorithms developed to predict the effect of missense changes on protein structure and function are either unavailable or do not agree on the potential impact of this missense change (SIFT: "Deleterious"; PolyPhen-2: "Probably Damaging"; Align-GVGD: "Class C0"). This variant has not been reported in the literature in individuals with MSH6-related conditions. This variant is not present in population databases (ExAC no frequency). This sequence change replaces alanine with proline at codon 1293 of the MSH6 protein (p.Ala1293Pro). The alanine residue is highly conserved and there is a small physicochemical difference between alanine and proline.